The following is an entry in ClinVar:

ClinVar aggregate classification (germline): Uncertain significance. Review status: criteria provided, multiple submitters, no conflicts (2 of 4 stars). 4 submissions from 4 submitters: Uncertain significance (4). Last evaluated 2026-06-01.

Conditions:
PHARC syndrome. Also called: Polyneuropathy-hearing loss-ataxia-retinitis pigmentosa-cataract syndrome. Identifiers: Orphanet 171848, MedGen C2675204, MONDO:0012984, OMIM 612674.

Allele frequency attached by ClinVar (database versions not stated): gnomAD below 0.00001 and 0.00001; gnomAD exomes 0.00003 and 0.00006; ExAC 0.00025.
gnomAD v4.1: 39 of 1,429,596 alleles (0.0027%); highest among the groups gnomAD compares: South Asian, 0.03%; no homozygotes.

Submissions (4):

CeGaT Center for Human Genetics Tuebingen
Classification: Uncertain significance. Last evaluated: 2026-06-01. Review status: criteria provided, single submitter. Criteria: CeGaT Center For Human Genetics Tuebingen Variant Classification Criteria Version 2. Collection method: clinical testing. Allele origin: germline. Affected: yes. Observed: 2 variant alleles.
Comment: ABHD12: PM2

Labcorp Genetics (formerly Invitae), Labcorp
Classification: Uncertain significance. Last evaluated: 2023-09-25. Review status: criteria provided, single submitter. Criteria: Invitae Variant Classification Sherloc (09022015). Collection method: clinical testing. Allele origin: germline.
Comment: ClinVar contains an entry for this variant (Variation ID: 898715). An algorithm developed to predict the effect of missense changes on protein structure and function (PolyPhen-2) suggests that this variant¬†is likely to be tolerated. In summary, the available evidence is currently insufficient to determine the role of this variant in disease. Therefore, it has been classified as a Variant of Uncertain Significance. This sequence change replaces alanine, which is neutral and non-polar, with valine, which is neutral and non-polar, at codon 9 of the ABHD12 protein (p.Ala9Val). This variant is present in population databases (rs776381886, gnomAD 0.02%). This variant has not been reported in the literature in individuals affected with ABHD12-related conditions.

GeneDx
Classification: Uncertain significance. Last evaluated: 2021-06-21. Review status: criteria provided, single submitter. Criteria: GeneDx Variant Classification Process June 2021. Collection method: clinical testing. Allele origin: germline. Affected: yes.
Comment: This variant is associated with the following publications: (PMID: 27535533)

Illumina Laboratory Services, Illumina
Classification: Uncertain significance for PHARC syndrome. Last evaluated: 2017-04-27. Review status: criteria provided, single submitter. Criteria: ICSL Variant Classification Criteria 13 December 2019. Collection method: clinical testing. Allele origin: germline.

NM_001042472.3(ABHD12):c.26C>T (p.Ala9Val)

Genes: ABHD12 (abhydrolase domain containing 12, lysophospholipase; minus strand), LOC130065586 (ATAC-STARR-seq lymphoblastoid silent region 12752; plus strand). Cytogenetic location: 20p11.21.
Variant type: single nucleotide variant.
Coding change: c.26C>T on transcript NM_001042472.3 (MANE Select); coding-DNA position 26, C replaced by T.
Protein change: p.Ala9Val; replaces alanine 9 with valine.
Molecular consequence: missense variant.
Genome position (GRCh38, 1-based): chr20:25,390,678, G>A on the plus strand (C>T on the coding strand, the complement: ABHD12 is on the minus strand). VCF-style: chr20-25390678-G-A. GRCh37 (hg19) VCF-style: chr20-25371314-G-A.
Other names: c.26C>T, p.Ala9Val (NM_015600.5); short protein forms A9V.
Identifiers: ClinVar variation 898715 (VCV000898715.43), dbSNP rs776381886, ClinGen allele CA9796331.